The following is an entry in ClinVar:

NM_020719.3(PRR12):c.4488_4505del (p.Leu1501_Pro1506del)

Gene: PRR12 (proline rich 12; plus strand). Cytogenetic location: 19q13.33.
Variant type: Deletion.
Coding change: c.4488_4505del on transcript NM_020719.3 (MANE Select); coding-DNA positions 4488 to 4505, 18 bases deleted (ACCGCCACCGCCGCTGCC).
Protein change: p.Leu1501_Pro1506del.
Molecular consequence: inframe deletion.
Genome position (GRCh38, 1-based): chr19:49,601,633-49,601,650, ACCGCCACCGCCGCTGCC deleted; deleting any 18 consecutive bases within chr19:49,601,631-49,601,650 gives the same sequence; the c. name uses the placement nearest the transcript's 3' end. VCF-style (leftmost placement, unchanged base first): chr19-49601630-ACCACCGCCACCGCCGCTG-A. GRCh37 (hg19) VCF-style: chr19-50104887-ACCACCGCCACCGCCGCTG-A.
Identifiers: ClinVar variation 1695539 (VCV001695539.2), dbSNP rs1568425463, ClinGen allele CA633893066.

ClinVar aggregate classification (germline): Uncertain significance (1 of 4 stars; one submission).

Submission:

GeneDx
Classification: Uncertain significance. Last evaluated: 2022-06-30. Review status: criteria provided, single submitter. Criteria: GeneDx Variant Classification Process June 2021. Collection method: clinical testing. Allele origin: germline. Affected: yes.
Comment: Not observed at significant frequency in large population cohorts (gnomAD); In-frame deletion of 6 amino acids in a non-repeat region; In silico analysis supports that this variant does not alter protein structure/function; Has not been previously published as pathogenic or benign to our knowledge